The following is an entry in ClinVar:

ClinVar aggregate classification (germline): Benign/Likely benign. Review status: criteria provided, multiple submitters, no conflicts (2 of 4 stars). 7 submissions from 6 submitters: Benign (3); Likely benign (4). Last evaluated 2026-08-01.

Conditions:
Mosaic variegated aneuploidy syndrome 1 (MVA1). Also called: Warburton-Anyane-Yeboa syndrome. Identifiers: Orphanet 1052, MedGen C1850343, MONDO:0009759, OMIM 257300.
Premature chromatid separation trait (PCS). Also called: TOTAL PREMATURE CHROMATID SEPARATION TRAIT. Identifiers: MedGen C1864389, MONDO:0008304, OMIM 176430.
BUB1B-related disorder. Also called: BUB1B-related condition.
Inborn genetic diseases. Identifiers: MedGen C0950123, MeSH D030342.
Colorectal cancer. Also called: Malignant Colorectal Neoplasm; Colorectal cancer, somatic. Identifiers: MedGen C0346629, MONDO:0005575, OMIM 114500.

Allele frequency attached by ClinVar (database versions not stated): gnomAD exomes 0.00007 and 0.00023; ExAC 0.00029; ESP Exome Variant Server 0.00069; 1000 Genomes Project 0.00080; gnomAD 0.00089 and 0.00094; 1000 Genomes Project 30x 0.00094; TOPMed 0.00097.
gnomAD v4.1: 238 of 1,614,002 alleles (0.015%); highest among the groups gnomAD compares: African/African-American, 0.27%; no homozygotes.

Submissions (7):

CeGaT Center for Human Genetics Tuebingen
Classification: Likely benign. Last evaluated: 2026-08-01. Review status: criteria provided, single submitter. Criteria: CeGaT Center For Human Genetics Tuebingen Variant Classification Criteria Version 2. Collection method: clinical testing. Allele origin: germline. Affected: yes. Observed: 1 variant allele.
Comment: BUB1B: BP4, BP7

Labcorp Genetics (formerly Invitae), Labcorp
Classification: Benign for Mosaic variegated aneuploidy syndrome 1. Last evaluated: 2025-12-15. Review status: criteria provided, single submitter. Criteria: Invitae Variant Classification Sherloc (09022015). Collection method: clinical testing. Allele origin: germline.

PreventionGenetics, part of Exact Sciences
Classification: Likely benign for BUB1B-related condition. Last evaluated: 2025-04-29. Review status: criteria provided, single submitter. Criteria: ACMG Guidelines, 2015. Collection method: clinical testing. Allele origin: germline.
Comment: This variant is classified as likely benign based on ACMG/AMP sequence variant interpretation guidelines (Richards et al. 2015 PMID: 25741868, with internal and published modifications).

KCCC/NGS Laboratory, Kuwait Cancer Control Center
Classification: Benign for Premature chromatid separation trait. Last evaluated: 2025-02-01. Review status: criteria provided, single submitter. Criteria: ACMG Guidelines, 2015. Collection method: clinical testing. Allele origin: germline. Affected: no.

Blueprint Genetics
Classification: Likely benign. Last evaluated: 2024-11-13. Review status: criteria provided, single submitter. Criteria: ACMG Guidelines, 2015. Collection method: clinical testing. Allele origin: germline.

KCCC/NGS Laboratory, Kuwait Cancer Control Center
Classification: Benign for Colorectal cancer. Last evaluated: 2023-07-07. Review status: criteria provided, single submitter. Criteria: ACMG Guidelines, 2015. Collection method: clinical testing. Allele origin: germline. Affected: yes.

Ambry Genetics
Classification: Likely benign for Inborn genetic diseases. Last evaluated: 2022-02-15. Review status: criteria provided, single submitter. Criteria: Ambry Variant Classification Scheme 2023. Collection method: clinical testing. Allele origin: germline.

NM_001211.6(BUB1B):c.1230C>T (p.Phe410=)

Gene: BUB1B (BUB1 mitotic checkpoint serine/threonine kinase B; plus strand). Cytogenetic location: 15q15.1.
Variant type: single nucleotide variant.
Coding change: c.1230C>T on transcript NM_001211.6 (MANE Select); coding-DNA position 1230, C replaced by T.
Protein change: p.Phe410=; no amino-acid change (phenylalanine 410 retained).
Molecular consequence: synonymous variant.
Genome position (GRCh38, 1-based): chr15:40,196,716, C>T. VCF-style: chr15-40196716-C-T. GRCh37 (hg19) VCF-style: chr15-40488917-C-T.
Identifiers: ClinVar variation 412525 (VCV000412525.18), dbSNP rs61733369, ClinGen allele CA7475678.